The following is an entry in ClinVar:

ClinVar aggregate classification (germline): Uncertain significance (1 of 4 stars; one submission).

Conditions:
Catecholaminergic polymorphic ventricular tachycardia 2. Also called: VENTRICULAR TACHYCARDIA, STRESS-INDUCED POLYMORPHIC 2; CASQ2-Related Catecholaminergic Polymorphic Ventricular Tachycardia. Identifiers: Orphanet 3286, MedGen C2677794, MONDO:0012762, OMIM 611938.

gnomAD v4.1: 3 of 1,612,004 alleles (0.00019%); highest among the groups gnomAD compares: Non-Finnish European, 0.00025%; no homozygotes.

Submission:

Juno Genomics, Hangzhou Juno Genomics, Inc
Classification: Uncertain significance for Catecholaminergic polymorphic ventricular tachycardia 2. Review status: criteria provided, single submitter. Criteria: ACMG Guidelines, 2015. Collection method: clinical testing. Allele origin: germline. Affected: yes.
Comment: Absent from controls (or at extremely low frequency if recessive) in Genome Aggregation Database, Exome Sequencing Project, 1000 Genomes Project, or Exome Aggregation Consortium.;Multiple lines of computational evidence support a deleterious effect on the gene or gene product (conservation, evolutionary, splicing impact, etc).;For recessive disorders, detected in trans with a pathogenic variant.

NM_001232.4(CASQ2):c.241G>A (p.Ala81Thr)

Gene: CASQ2 (calsequestrin 2; minus strand). Cytogenetic location: 1p13.1.
Variant type: single nucleotide variant.
Coding change: c.241G>A on transcript NM_001232.4 (MANE Select); coding-DNA position 241, G replaced by A.
Protein change: p.Ala81Thr; replaces alanine 81 with threonine.
Molecular consequence: missense variant.
Genome position (GRCh38, 1-based): chr1:115,744,906, C>T on the plus strand (G>A on the coding strand, the complement: CASQ2 is on the minus strand). VCF-style: chr1-115744906-C-T. GRCh37 (hg19) VCF-style: chr1-116287527-C-T.
Other names: short protein forms A81T.
Identifiers: ClinVar variation 3383134 (VCV003383134.2).
Genomic context (GRCh38, chr1:115,744,906, plus strand): 5'-TGGCTTCTTTCTTGGCATCCACCATCACAAAGCCTATAGCTTTATGTTCAAGGACCTGGG[C>T]CACAAGCTGAAGAAACAAATGGAAAGATGAGTGTGCTAAGGGCAGAAAGATGGTAGAAAA-3'
Protein context (NP_001223.2, residues 71-91): QLKEIVLELV[Ala81Thr]QVLEHKAIGF